The following is an entry in ClinVar:

NM_080425.4(GNAS):c.1307_1342del (p.Ala436_Pro447del)

Gene: GNAS (GNAS complex locus; plus strand). Cytogenetic location: 20q13.32.
Variant type: Deletion.
Coding change: c.1307_1342del on transcript NM_080425.4 (MANE Plus Clinical); coding-DNA positions 1307 to 1342, 36 bases deleted.
Protein change: p.Ala436_Pro447del.
Molecular consequence: inframe deletion. On other transcripts: intron variant (3).
Genome position (GRCh38, 1-based): chr20:58,854,572-58,854,607, 36 bases deleted; deleting any 36 consecutive bases within chr20:58,854,565-58,854,607 gives the same sequence; the c. name uses the placement nearest the transcript's 3' end. GRCh37 (hg19): chr20:57,429,627-57,429,662.
Other names: c.1120_1155del, p.Pro374_Leu385del (NM_001077490.3, NM_001309883.1); c.1307_1342del, p.Ala436_Pro447del (NM_001410913.1); c.*42+13686_*42+13721del (NM_016592.5); c.43+13686_43+13721del (NM_001410912.1); c.-39+12697_-39+12732del (NM_001309861.2).
Identifiers: ClinVar variation 2629193 (VCV002629193.3), dbSNP rs757279746, ClinGen allele CA9926670.

ClinVar aggregate classification (germline): Uncertain significance (0 of 4 stars; one submission).

Conditions:
GNAS-related disorder. Identifiers: MedGen CN380105.

Submission:

PreventionGenetics, part of Exact Sciences
Classification: Uncertain significance for GNAS-related condition. Last evaluated: 2024-01-05. Review status: no assertion criteria provided. Collection method: clinical testing. Allele origin: germline.
Comment: The GNAS c.1307_1342del36 variant is predicted to result in an in-frame deletion (p.Ala436_Pro447del). To our knowledge, this variant has not been reported in the literature in individuals with GNAS-related disorders. This variant is reported in 0.14% of alleles in individuals of African descent in gnomAD. At this time, the clinical significance of this variant is uncertain due to the absence of conclusive functional and genetic evidence.